The following continues an entry in ClinVar:

NM_000350.3(ABCA4):c.6229C>T (p.Arg2077Trp)

Gene: ABCA4. ClinVar aggregate classification (germline): Pathogenic. Pathogenic (1).

Submissions 11 to 16 of 16:

Broad Center for Mendelian Genomics, Broad Institute of MIT and Harvard
Classification: Likely pathogenic for Cone-rod dystrophy 3. Last evaluated: 2018-12-03. Review status: criteria provided, single submitter. Criteria: ACMG Guidelines, 2015. Collection method: research. Allele origin: germline. Inheritance: Autosomal recessive inheritance. Affected: yes. Not counted in ClinVar's aggregate classification.
Comment: The presence of this variant in combination with a likely pathogenic variant and in an individual with cone-rod dystrophy increases the likelihood that the p.Arg2077Trp variant is pathogenic. This variant has been identified in 0.0004062% (1/246206) of chromosomes and by the Genome Aggregation Database (gnomAD; dbSNP rs61750645). Although this variant has been seen in the general population, its frequency is low enough to be consistent with a recessive carrier frequency. Computational prediction tools and conservation analyses suggest that this variant may impact the protein, though this information is not predictive enough to determine pathogenicity. The presence of this variant in combination with an additional reported pathogenic variant (ClinVar Variation ID: 7904) and a reported likely pathogenic variant (ClinVar Variation ID: 99224) in two individuals with ABCA4-related disease reported in the literature increases the likelihood that the p.Arg2077Trp variant is pathogenic (PMID: 23755871, 18285826). In summary, although additional studies are required to fully establish its clinical significance, this variant is likely pathogenic. ACMG/AMP Criteria applied: PM2, PP3, PM3_Strong (Richards 2015).

Eurofins Ntd Llc (ga)
Classification: Pathogenic. Last evaluated: 2015-10-21. Review status: criteria provided, single submitter. Criteria: EGL Classification Definitions 2015. Collection method: clinical testing. Allele origin: germline. Observed: 1 variant allele, 1 heterozygote. Not counted in ClinVar's aggregate classification.

Clinical Genetics Laboratory, University Hospital Schleswig-Holstein
Classification: Uncertain significance for Age related macular degeneration 2. Last evaluated: 2021-08-04. Review status: no assertion criteria provided. Collection method: clinical testing. Allele origin: germline. Affected: yes. Not counted in ClinVar's aggregate classification.

Department of Clinical Genetics, Copenhagen University Hospital, Rigshospitalet
Classification: Likely pathogenic for Stargardt disease. Last evaluated: 2018-04-01. Review status: no assertion criteria provided. Collection method: research. Allele origin: unknown. Affected: yes. Study: VeluxRD. Not counted in ClinVar's aggregate classification.

NIHR Bioresource Rare Diseases, University of Cambridge
Classification: Likely pathogenic for Retinal dystrophy. Last evaluated: 2015-01-01. Review status: no assertion criteria provided. Collection method: research. Allele origin: unknown. Affected: yes. Observed: 1 variant allele. Not counted in ClinVar's aggregate classification.

Retina International
No classification provided. Review status: no classification provided. Collection method: not provided. Allele origin: not provided. Not counted in ClinVar's aggregate classification.

Literature cited by the submitters: PubMed 29847635 (cited by 4 submitters); PubMed 30563929 (cited by Dasa); PubMed 24713488 (cited by 4 submitters); PubMed 18285826 (cited by Dasa and Broad Center for Mendelian Genomics, Broad Institute of MIT and Harvard); PubMed 28559085 (cited by 4 submitters); PubMed 9054934 (cited by 3 submitters); PubMed 19217903 (cited by Institute of Human Genetics, Univ. Regensburg, Univ. Regensburg and Eurofins Ntd Llc (ga)); PubMed 20647261 (cited by Institute of Human Genetics, Univ. Regensburg, Univ. Regensburg and Eurofins Ntd Llc (ga)); PubMed 28041643 (cited by Institute of Human Genetics, Univ. Regensburg, Univ. Regensburg and NIHR Bioresource Rare Diseases, University of Cambridge); PubMed 29555955 (cited by Institute of Human Genetics, Univ. Regensburg, Univ. Regensburg); PubMed 29925512 (cited by Institute of Human Genetics, Univ. Regensburg, Univ. Regensburg); PubMed 32619608 (cited by Institute of Human Genetics, Univ. Regensburg, Univ. Regensburg); PubMed 31964843 (cited by Institute of Human Genetics, Univ. Regensburg, Univ. Regensburg); PubMed 31429209 (cited by Institute of Human Genetics, Univ. Regensburg, Univ. Regensburg); PubMed 32307445 (cited by Institute of Human Genetics, Univ. Regensburg, Univ. Regensburg); PubMed 32581362 (cited by Institute of Human Genetics, Univ. Regensburg, Univ. Regensburg); PubMed 32531858 (cited by Institute of Human Genetics, Univ. Regensburg, Univ. Regensburg); PubMed 35119454 (cited by Institute of Human Genetics, Univ. Regensburg, Univ. Regensburg); PubMed 36460718 (cited by Institute of Human Genetics, Univ. Regensburg, Univ. Regensburg); PubMed 35076026 (cited by Institute of Human Genetics, Univ. Regensburg, Univ. Regensburg); PubMed 28118664 (cited by Institute of Human Genetics, Univ. Regensburg, Univ. Regensburg); PubMed 23755871 (cited by Broad Center for Mendelian Genomics, Broad Institute of MIT and Harvard); PubMed 17982420 (cited by Eurofins Ntd Llc (ga)); PubMed 30718709 (cited by Department of Clinical Genetics, Copenhagen University Hospital, Rigshospitalet).